The following is an entry in ClinVar:

NM_020738.4(KIDINS220):c.1790T>C (p.Phe597Ser)

Gene: KIDINS220 (kinase D interacting substrate 220; minus strand). Cytogenetic location: 2p25.1.
Variant type: single nucleotide variant.
Coding change: c.1790T>C on transcript NM_020738.4 (MANE Select); coding-DNA position 1790, T replaced by C.
Protein change: p.Phe597Ser; replaces phenylalanine 597 with serine.
Molecular consequence: missense variant. On other transcripts: non-coding transcript variant (2).
Genome position (GRCh38, 1-based): chr2:8,786,355, A>G on the plus strand (T>C on the coding strand, the complement: KIDINS220 is on the minus strand). VCF-style: chr2-8786355-A-G. GRCh37 (hg19) VCF-style: chr2-8926485-A-G.
Other names: c.1793T>C, p.Phe598Ser (NM_001348729.2, NM_001348731.2, NM_001348734.2 and 3 more transcripts); c.1790T>C, p.Phe597Ser (NM_001348732.2, NM_001348735.2, NM_001348738.2 and 3 more transcripts); c.1664T>C, p.Phe555Ser (NM_001348736.2); short protein forms F598S, F555S, F597S.
Identifiers: ClinVar variation 3682789 (VCV003682789.2).

ClinVar aggregate classification (germline): Uncertain significance (1 of 4 stars; one submission).

Submission:

Labcorp Genetics (formerly Invitae), Labcorp
Classification: Uncertain significance. Last evaluated: 2024-03-12. Review status: criteria provided, single submitter. Criteria: Invitae Variant Classification Sherloc (09022015). Collection method: clinical testing. Allele origin: germline.
Comment: This sequence change replaces phenylalanine, which is neutral and non-polar, with serine, which is neutral and polar, at codon 597 of the KIDINS220 protein (p.Phe597Ser). This variant is not present in population databases (gnomAD no frequency). This variant has not been reported in the literature in individuals affected with KIDINS220-related conditions. An algorithm developed to predict the effect of missense changes on protein structure and function (PolyPhen-2) suggests that this variant is likely to be disruptive. In summary, the available evidence is currently insufficient to determine the role of this variant in disease. Therefore, it has been classified as a Variant of Uncertain Significance.